The following is an entry in ClinVar:

NM_001002294.3(FMO3):c.1498C>T (p.Arg500Ter)

Gene: FMO3 (flavin containing dimethylaniline monoxygenase 3; plus strand). Cytogenetic location: 1q24.3.
Variant type: single nucleotide variant.
Coding change: c.1498C>T on transcript NM_001002294.3 (MANE Select); coding-DNA position 1498, C replaced by T.
Protein change: p.Arg500Ter; replaces arginine 500 with a stop codon.
Molecular consequence: nonsense.
Genome position (GRCh38, 1-based): chr1:171,117,341, C>T. VCF-style: chr1-171117341-C-T. GRCh37 (hg19) VCF-style: chr1-171086481-C-T.
Other names: c.1438C>T, p.Arg480Ter (NM_001319173.2); c.1309C>T, p.Arg437Ter (NM_001319174.2); c.1498C>T, p.Arg500Ter (NM_006894.6); short protein forms R437*, R480*, R500*.
Identifiers: ClinVar variation 2734034 (VCV002734034.8), dbSNP rs765373503, ClinGen allele CA1240850.
Genomic context (GRCh38, chr1:171,117,341, plus strand): 5'-CCAGGAGCCAGAAATGCCATACTGACCCAGTGGGACCGGTCGTTGAAACCCATGCAGACA[C>T]GAGTGGTCGGGAGACTTCAGAAGCCTTGCTTCTTTTTCCATTGGCTGAAGCTCTTTGCAA-3'

ClinVar aggregate classification (germline): Pathogenic/Likely pathogenic. Review status: criteria provided, multiple submitters, no conflicts (2 of 4 stars). 4 submissions from 4 submitters: Pathogenic (3); Likely pathogenic (1). Last evaluated 2025-04-04.

Conditions:
Trimethylaminuria (TMAU). Also called: Primary Trimethylaminuria; Fish malodor syndrome; Stale fish syndrome; TMAuria; FISH-ODOR SYNDROME. Identifiers: MedGen C0342739, MONDO:0011182, OMIM 602079, HP:0003614. Disease mechanism: loss of function.

Allele frequency attached by ClinVar (database versions not stated): TOPMed below 0.00001; ExAC 0.00002; gnomAD exomes 0.00002.
gnomAD v4.1: 30 of 1,613,620 alleles (0.0019%); highest among the groups gnomAD compares: East Asian, 0.04%; no homozygotes.

Submissions (4):

Variantyx, Inc.
Classification: Likely pathogenic for Trimethylaminuria. Last evaluated: 2025-04-04. Review status: criteria provided, single submitter. Criteria: Variantyx Assertion Criteria 2022. Collection method: clinical testing. Allele origin: germline. Inheritance: Autosomal recessive inheritance. Affected: no.
Comment: This is a nonsense variant in the FMO3 gene (OMIM: 136132). Pathogenic variants in this gene have been associated with autosomal recessive trimethylaminuria. This variant introduces a premature termination codon in exon 9 out of 9 and is expected to result in loss of function, which is a known disease mechanism for FMO3 in this disorder (PMID: 16996766) (PVS1). This variant has been reported in the homozygous or compound heterozygous state in several unrelated affected individuals (PMID: 16996766, 16858129) (PM3_Strong). This variant has a 0.0454% maximum allele frequency in non-founder control populations (PM2_Supporting). Based on the current evidence, this variant is classified as pathogenic for autosomal recessive trimethylaminuria.

Fulgent Genetics
Classification: Pathogenic for Trimethylaminuria. Last evaluated: 2024-04-29. Review status: criteria provided, single submitter. Criteria: ACMG Guidelines, 2015. Collection method: clinical testing. Allele origin: germline.

Labcorp Genetics (formerly Invitae), Labcorp
Classification: Pathogenic. Last evaluated: 2024-01-24. Review status: criteria provided, single submitter. Criteria: Invitae Variant Classification Sherloc (09022015). Collection method: clinical testing. Allele origin: germline.
Comment: This sequence change creates a premature translational stop signal (p.Arg500*) in the FMO3 gene. While this is not anticipated to result in nonsense mediated decay, it is expected to disrupt the last 33 amino acid(s) of the FMO3 protein. This variant is present in population databases (rs765373503, gnomAD 0.01%). This premature translational stop signal has been observed in individual(s) with trimethylaminuria (PMID: 16858129, 16996766). In at least one individual the data is consistent with being in trans (on the opposite chromosome) from a pathogenic variant. Algorithms developed to predict the effect of variants on protein structure and function are not available or were not evaluated for this variant. Experimental studies have shown that this premature translational stop signal affects FMO3 function (PMID: 16996766). For these reasons, this variant has been classified as Pathogenic.

Juno Genomics, Hangzhou Juno Genomics, Inc
Classification: Pathogenic for Trimethylaminuria. Review status: criteria provided, single submitter. Criteria: ACMG Guidelines, 2015. Collection method: clinical testing. Allele origin: germline.
Comment: Absent from controls (or at extremely low frequency if recessive) in Genome Aggregation Database.;Well-established in vitro or in vivo functional studies supportive of a damaging effect on the gene or gene product.;For recessive disorders, detected in trans with a pathogenic variant.;Patient's phenotype or family history is highly specific for a disease with a single genetic etiology.

Literature cited by the submitters: PubMed 16996766 (cited by Variantyx, Inc. and Labcorp Genetics (formerly Invitae), Labcorp); PubMed 16858129 (cited by Variantyx, Inc. and Labcorp Genetics (formerly Invitae), Labcorp).